The following is an entry in ClinVar:

ClinVar aggregate classification (germline): Uncertain significance (1 of 4 stars; one submission).

Submission:

GeneDx
Classification: Uncertain significance. Last evaluated: 2026-03-12. Review status: criteria provided, single submitter. Criteria: GeneDx Variant Classification Process June 2021. Collection method: clinical testing. Allele origin: germline.
Comment: Not observed at significant frequency in large population cohorts (gnomAD); In silico analysis supports a deleterious effect on protein structure/function; Has not been previously published as pathogenic or benign to our knowledge

NM_174936.4(PCSK9):c.940_941delinsAA (p.Ala314Asn)

Gene: PCSK9 (proprotein convertase subtilisin/kexin type 9; plus strand). Cytogenetic location: 1p32.3.
Variant type: Indel.
Coding change: c.940_941delinsAA on transcript NM_174936.4 (MANE Select); coding-DNA positions 940 to 941, GC replaced by AA.
Protein change: p.Ala314Asn; replaces alanine 314 with asparagine.
Molecular consequence: missense variant. On other transcripts: non-coding transcript variant (8).
Genome position (GRCh38, 1-based): chr1:55,056,133-55,056,134, GC replaced by AA. VCF-style: chr1-55056133-GC-AA. GRCh37 (hg19) VCF-style: chr1-55521806-GC-AA.
Other names: c.1063_1064delinsAA, p.Ala355Asn (NM_001407240.1); c.940_941delinsAA, p.Ala314Asn (NM_001407241.1, NM_001407244.1, NM_001407247.1); c.943_944delinsAA, p.Ala315Asn (NM_001407242.1); c.883_884delinsAA, p.Ala295Asn (NM_001407243.1); c.748_749delinsAA, p.Ala250Asn (NM_001407245.1); c.565_566delinsAA, p.Ala189Asn (NM_001407246.1); c.940_941delGCinsAA, p.Ala314Asn (NM_174936.3); short protein forms A189N, A250N, A355N, A295N, A314N, A315N.
Identifiers: ClinVar variation 5008921 (VCV005008921.1).